The following is an entry in ClinVar:

ClinVar aggregate classification (germline): Pathogenic/Likely pathogenic. Review status: criteria provided, multiple submitters, no conflicts (2 of 4 stars). 2 submissions from 2 submitters: Pathogenic (1); Likely pathogenic (1). Last evaluated 2025-09-14.

Conditions:
Familial hemophagocytic lymphohistiocytosis 3 (FHL3). Also called: UNC13D-Related Familial Hemophagocytic Lymphohistiocytosis (UNC13D-fHLH). Identifiers: Orphanet 540, MedGen C1837174, MONDO:0012146, OMIM 608898.

Allele frequency attached by ClinVar (database versions not stated): gnomAD below 0.00001 and 0.00001; gnomAD exomes below 0.00001.
gnomAD v4.1: 17 of 1,585,896 alleles (0.0011%); highest among the groups gnomAD compares: South Asian, 0.0081%; no homozygotes.

Submissions (2):

Labcorp Genetics (formerly Invitae), Labcorp
Classification: Pathogenic for Familial hemophagocytic lymphohistiocytosis 3. Last evaluated: 2025-09-14. Review status: criteria provided, single submitter. Criteria: Invitae Variant Classification Sherloc (09022015). Collection method: clinical testing. Allele origin: germline.
Comment: This sequence change falls in intron 29 of the UNC13D gene. It does not directly change the encoded amino acid sequence of the UNC13D protein. The frequency data for this variant in the population databases is considered unreliable, as metrics indicate poor data quality at this position in the gnomAD database. This variant has been observed in individual(s) with clinical features of hemophagocytic lymphohistiocytosis (PMID: 24470399, 31388699, 34339548; internal data). In at least one individual the data is consistent with being in trans (on the opposite chromosome) from a pathogenic variant. ClinVar contains an entry for this variant (Variation ID: 947730). Algorithms developed to predict the effect of sequence changes on RNA splicing suggest that this variant may disrupt the consensus splice site. For these reasons, this variant has been classified as Pathogenic.

Fulgent Genetics
Classification: Likely pathogenic for Familial hemophagocytic lymphohistiocytosis 3. Last evaluated: 2024-04-10. Review status: criteria provided, single submitter. Criteria: ACMG Guidelines, 2015. Collection method: clinical testing. Allele origin: germline.

Literature cited by the submitters: PubMed 24470399 (cited by Labcorp Genetics (formerly Invitae), Labcorp); PubMed 31388699 (cited by Labcorp Genetics (formerly Invitae), Labcorp); PubMed 34339548 (cited by Labcorp Genetics (formerly Invitae), Labcorp).

NM_199242.3(UNC13D):c.2831-13G>A

Genes: UNC13D (unc-13 homolog D; minus strand), LOC112533672 (Sharpr-MPRA regulatory region 1193; plus strand). Cytogenetic location: 17q25.1.
Variant type: single nucleotide variant.
Coding change: c.2831-13G>A on transcript NM_199242.3 (MANE Select); 13 bases into the intron before coding-DNA position 2831, G replaced by A.
Molecular consequence: intron variant.
Genome position (GRCh38, 1-based): chr17:75,830,164, C>T on the plus strand (G>A on the coding strand, the complement: UNC13D is on the minus strand). VCF-style: chr17-75830164-C-T. GRCh37 (hg19) VCF-style: chr17-73826245-C-T.
Identifiers: ClinVar variation 947730 (VCV000947730.11), dbSNP rs1005334519, ClinGen allele CA294084497.